The following is an entry in ClinVar:

NM_020937.4(FANCM):c.1282G>C (p.Ala428Pro)

Gene: FANCM (FA complementation group M; plus strand). Cytogenetic location: 14q21.2.
Variant type: single nucleotide variant.
Coding change: c.1282G>C on transcript NM_020937.4 (MANE Select); coding-DNA position 1282, G replaced by C.
Protein change: p.Ala428Pro; replaces alanine 428 with proline.
Molecular consequence: missense variant.
Genome position (GRCh38, 1-based): chr14:45,154,795, G>C. VCF-style: chr14-45154795-G-C. GRCh37 (hg19) VCF-style: chr14-45623998-G-C.
Other names: c.1204G>C, p.Ala402Pro (NM_001308133.2); c.1282G>C, p.Ala428Pro (NM_001308134.2); short protein forms A402P, A428P.
Identifiers: ClinVar variation 1053743 (VCV001053743.9), dbSNP rs1177585747, ClinGen allele CA389591348.

ClinVar aggregate classification (germline): Uncertain significance (1 of 4 stars; one submission).

Conditions:
Fanconi anemia (FA). Also called: Fanconi's anemia. Identifiers: Orphanet 84, MedGen C0015625, MeSH D005199, MONDO:0019391.

Allele frequency attached by ClinVar (database versions not stated): gnomAD exomes below 0.00001.
gnomAD v4.1: 1 of 1,607,740 alleles (0.000062%); highest among the groups gnomAD compares: South Asian, 0.0011%; no homozygotes.

Submission:

Labcorp Genetics (formerly Invitae), Labcorp
Classification: Uncertain significance for Fanconi anemia. Last evaluated: 2020-02-12. Review status: criteria provided, single submitter. Criteria: Invitae Variant Classification Sherloc (09022015). Collection method: clinical testing. Allele origin: germline.
Comment: Algorithms developed to predict the effect of missense changes on protein structure and function (SIFT, PolyPhen-2, Align-GVGD) all suggest that this variant is likely to be tolerated, but these predictions have not been confirmed by published functional studies and their clinical significance is uncertain. In summary, the available evidence is currently insufficient to determine the role of this variant in disease. Therefore, it has been classified as a Variant of Uncertain Significance. This sequence change replaces alanine with proline at codon 428 of the FANCM protein (p.Ala428Pro). The alanine residue is weakly conserved and there is a small physicochemical difference between alanine and proline. This variant is not present in population databases (ExAC no frequency). This variant has not been reported in the literature in individuals with FANCM-related conditions.